The following is an entry in ClinVar:

NM_001370259.2(MEN1):c.1649T>C (p.Val550Ala)

Gene: MEN1 (menin 1; minus strand). Cytogenetic location: 11q13.1.
Variant type: single nucleotide variant.
Coding change: c.1649T>C on transcript NM_001370259.2 (MANE Select); coding-DNA position 1649, T replaced by C.
Protein change: p.Val550Ala; replaces valine 550 with alanine.
Molecular consequence: missense variant.
Genome position (GRCh38, 1-based): chr11:64,804,518, A>G on the plus strand (T>C on the coding strand, the complement: MEN1 is on the minus strand). VCF-style: chr11-64804518-A-G. GRCh37 (hg19) VCF-style: chr11-64571990-A-G.
Other names: c.1664T>C, p.Val555Ala (NM_000244.4, NM_130800.3, NM_130801.3 and 3 more transcripts); c.1775T>C, p.Val592Ala (NM_001370251.2); c.1649T>C, p.Val550Ala (NM_001370260.2, NM_001370261.2, NM_130799.3); c.1544T>C, p.Val515Ala (NM_001370262.2, NM_001370263.2); short protein forms V515A, V592A, V550A, V555A.
Identifiers: ClinVar variation 1501270 (VCV001501270.6), dbSNP rs1941506496, ClinGen allele CA381177882.

ClinVar aggregate classification (germline): Uncertain significance (1 of 4 stars; one submission).

Conditions:
Multiple endocrine neoplasia, type 1 (MEN1). Also called: MEN I; WERMER SYNDROME; Endocrine adenomatosis multiple; MEN 1; MEA I. Identifiers: Orphanet 652, MedGen C0025267, MeSH D018761, MONDO:0007540, OMIM 131100.

Submission:

Labcorp Genetics (formerly Invitae), Labcorp
Classification: Uncertain significance for Multiple endocrine neoplasia, type 1. Last evaluated: 2021-11-23. Review status: criteria provided, single submitter. Criteria: Invitae Variant Classification Sherloc (09022015). Collection method: clinical testing. Allele origin: germline.
Comment: This variant is not present in population databases (gnomAD no frequency). In summary, the available evidence is currently insufficient to determine the role of this variant in disease. Therefore, it has been classified as a Variant of Uncertain Significance. Advanced modeling of protein sequence and biophysical properties (such as structural, functional, and spatial information, amino acid conservation, physicochemical variation, residue mobility, and thermodynamic stability) performed at Invitae indicates that this missense variant is expected to disrupt MEN1 protein function. This variant has not been reported in the literature in individuals affected with MEN1-related conditions. This sequence change replaces valine, which is neutral and non-polar, with alanine, which is neutral and non-polar, at codon 550 of the MEN1 protein (p.Val550Ala).